The following is an entry in ClinVar:

NM_004960.4(FUS):c.211A>G (p.Thr71Ala)

Gene: FUS (FUS RNA binding protein; plus strand). Cytogenetic location: 16p11.2.
Variant type: single nucleotide variant.
Coding change: c.211A>G on transcript NM_004960.4 (MANE Select); coding-DNA position 211, A replaced by G.
Protein change: p.Thr71Ala; replaces threonine 71 with alanine.
Molecular consequence: missense variant. On other transcripts: non-coding transcript variant (1).
Genome position (GRCh38, 1-based): chr16:31,183,878, A>G. VCF-style: chr16-31183878-A-G. GRCh37 (hg19) VCF-style: chr16-31195199-A-G.
Other names: c.208A>G, p.Thr70Ala (NM_001170634.1); c.211A>G, p.Thr71Ala (NM_001170937.1); short protein forms T71A, T70A.
Identifiers: ClinVar variation 2074071 (VCV002074071.4), dbSNP rs762488475, ClinGen allele CA8023536.

ClinVar aggregate classification (germline): Uncertain significance (1 of 4 stars; one submission).

Conditions:
Tremor, hereditary essential, 4 (ETM4). Identifiers: MedGen C3539195, MONDO:0013888, OMIM 614782.
Amyotrophic lateral sclerosis type 6. Also called: FUS-Related Amyotrophic Laterial Sclerosis; AMYOTROPHIC LATERAL SCLEROSIS 6 WITHOUT FRONTOTEMPORAL DEMENTIA; Amyotrophic lateral sclerosis 6, with or without frontotemporal dementia. Identifiers: Orphanet 275872, Orphanet 803, MedGen C2931786, MONDO:0011951, OMIM 608030.

Allele frequency attached by ClinVar (database versions not stated): gnomAD exomes 0.00001; ExAC 0.00002; TOPMed 0.00002.
gnomAD v4.1: 15 of 1,613,588 alleles (0.00093%); highest among the groups gnomAD compares: East Asian, 0.016%; no homozygotes.

Submission:

Labcorp Genetics (formerly Invitae), Labcorp
Classification: Uncertain significance for Tremor, hereditary essential, 4; Amyotrophic lateral sclerosis type 6. Last evaluated: 2023-11-10. Review status: criteria provided, single submitter. Criteria: Invitae Variant Classification Sherloc (09022015). Collection method: clinical testing. Allele origin: germline.
Comment: This sequence change replaces threonine, which is neutral and polar, with alanine, which is neutral and non-polar, at codon 71 of the FUS protein (p.Thr71Ala). This variant is present in population databases (rs762488475, gnomAD 0.02%). This variant has not been reported in the literature in individuals affected with FUS-related conditions. ClinVar contains an entry for this variant (Variation ID: 2074071). Algorithms developed to predict the effect of missense changes on protein structure and function output the following: SIFT: "Not Available"; PolyPhen-2: "Not Available"; Align-GVGD: "Not Available". The alanine amino acid residue is found in multiple mammalian species, which suggests that this missense change does not adversely affect protein function. In summary, the available evidence is currently insufficient to determine the role of this variant in disease. Therefore, it has been classified as a Variant of Uncertain Significance.